The following is an entry in ClinVar:

NM_031935.3(HMCN1):c.7154G>C (p.Ser2385Thr)

Gene: HMCN1 (hemicentin 1; plus strand). Cytogenetic location: 1q31.1.
Variant type: single nucleotide variant.
Coding change: c.7154G>C on transcript NM_031935.3 (MANE Select); coding-DNA position 7154, G replaced by C.
Protein change: p.Ser2385Thr; replaces serine 2385 with threonine.
Molecular consequence: missense variant.
Genome position (GRCh38, 1-based): chr1:186,057,243, G>C. VCF-style: chr1-186057243-G-C. GRCh37 (hg19) VCF-style: chr1-186026375-G-C.
Other names: short protein forms S2385T.
Identifiers: ClinVar variation 3643311 (VCV003643311.2).

ClinVar aggregate classification (germline): Uncertain significance (1 of 4 stars; one submission).

Submission:

Labcorp Genetics (formerly Invitae), Labcorp
Classification: Uncertain significance. Last evaluated: 2024-02-25. Review status: criteria provided, single submitter. Criteria: Invitae Variant Classification Sherloc (09022015). Collection method: clinical testing. Allele origin: germline.
Comment: This sequence change replaces serine, which is neutral and polar, with threonine, which is neutral and polar, at codon 2385 of the HMCN1 protein (p.Ser2385Thr). This variant is not present in population databases (gnomAD no frequency). This variant has not been reported in the literature in individuals affected with HMCN1-related conditions. An algorithm developed to predict the effect of missense changes on protein structure and function (PolyPhen-2) suggests that this variant is likely to be tolerated. In summary, the available evidence is currently insufficient to determine the role of this variant in disease. Therefore, it has been classified as a Variant of Uncertain Significance.